The following is an entry in ClinVar:

NM_007272.3(CTRC):c.83C>A (p.Ala28Asp)

Gene: CTRC (chymotrypsin C; plus strand). Cytogenetic location: 1p36.21.
Variant type: single nucleotide variant.
Coding change: c.83C>A on transcript NM_007272.3 (MANE Select); coding-DNA position 83, C replaced by A.
Protein change: p.Ala28Asp; replaces alanine 28 with aspartic acid.
Molecular consequence: missense variant.
Genome position (GRCh38, 1-based): chr1:15,440,342, C>A. VCF-style: chr1-15440342-C-A. GRCh37 (hg19) VCF-style: chr1-15766838-C-A.
Other names: short protein forms A28D.
Identifiers: ClinVar variation 5035052 (VCV005035052.1).

ClinVar aggregate classification (germline): Uncertain significance (1 of 4 stars; one submission).

Conditions:
Hereditary pancreatitis (PCTT). Also called: Hereditary chronic pancreatitis; PRSS1-Related Hereditary Pancreatitis. Identifiers: Orphanet 676, MedGen C0238339, MONDO:0008185, OMIM 167800.

Submission:

Ambry Genetics
Classification: Uncertain significance for Hereditary pancreatitis. Last evaluated: 2026-07-30. Review status: criteria provided, single submitter. Criteria: Ambry Variant Classification Scheme 2023. Collection method: clinical testing. Allele origin: germline.
Comment: The p.A28D variant (also known as c.83C>A), located in coding exon 2 of the CTRC gene, results from a C to A substitution at nucleotide position 83. The alanine at codon 28 is replaced by aspartic acid, an amino acid with dissimilar properties. This amino acid position is conserved. In addition, the in silico prediction for this alteration is inconclusive. Based on the available evidence, the clinical significance of this variant remains unclear.